The following is an entry in ClinVar:

NM_000553.6(WRN):c.305T>A (p.Leu102Ter)

Gene: WRN (WRN RecQ like helicase; plus strand). Cytogenetic location: 8p12.
Variant type: single nucleotide variant.
Coding change: c.305T>A on transcript NM_000553.6 (MANE Select); coding-DNA position 305, T replaced by A.
Protein change: p.Leu102Ter; replaces leucine 102 with a stop codon.
Molecular consequence: nonsense.
Genome position (GRCh38, 1-based): chr8:31,064,384, T>A. VCF-style: chr8-31064384-T-A. GRCh37 (hg19) VCF-style: chr8-30921900-T-A.
Other names: short protein forms L102*.
Identifiers: ClinVar variation 946751 (VCV000946751.6), dbSNP rs1812613241, ClinGen allele CA370914296.
Genomic context (GRCh38, chr8:31,064,384, plus strand): 5'-ACATGGAGTGGCCACCATTATACAATAGAGGGAAACTTGGCAAAGTTGCACTAATTCAGT[T>A]GTGTGTTTCTGAGAGCAAATGTTACTTGTTCCACGTTTCTTCCATGTCAGGTTGGTATCT-3'

ClinVar aggregate classification (germline): Pathogenic (1 of 4 stars; one submission).

Conditions:
Werner syndrome (WRN). Identifiers: Orphanet 902, MedGen C0043119, MONDO:0010196, OMIM 277700.

Submission:

Labcorp Genetics (formerly Invitae), Labcorp
Classification: Pathogenic for Werner syndrome. Last evaluated: 2019-05-10. Review status: criteria provided, single submitter. Criteria: Invitae Variant Classification Sherloc (09022015). Collection method: clinical testing. Allele origin: germline.
Comment: For these reasons, this variant has been classified as Pathogenic. Loss-of-function variants in WRN are known to be pathogenic (PMID: 16673358). This variant has not been reported in the literature in individuals with WRN-related conditions. This variant is not present in population databases (ExAC no frequency). This sequence change creates a premature translational stop signal (p.Leu102*) in the WRN gene. It is expected to result in an absent or disrupted protein product.

Literature cited by the submitters: PubMed 16673358.